The following is an entry in ClinVar:

NM_007129.5(ZIC2):c.465C>G (p.Gly155=)

Gene: ZIC2 (Zic family member 2; plus strand). Cytogenetic location: 13q32.3.
Variant type: single nucleotide variant.
Coding change: c.465C>G on transcript NM_007129.5 (MANE Select); coding-DNA position 465, C replaced by G.
Protein change: p.Gly155=; no amino-acid change (glycine 155 retained).
Molecular consequence: synonymous variant.
Genome position (GRCh38, 1-based): chr13:99,982,529, C>G. VCF-style: chr13-99982529-C-G. GRCh37 (hg19) VCF-style: chr13-100634783-C-G.
Identifiers: ClinVar variation 3029260 (VCV003029260.2), dbSNP rs2053240426, ClinGen allele CA484759963.

ClinVar aggregate classification (germline): Likely benign (0 of 4 stars; one submission).

Conditions:
ZIC2-related disorder. Also called: ZIC2-related condition.

Allele frequency attached by ClinVar (database versions not stated): gnomAD exomes below 0.00001; TOPMed below 0.00001; gnomAD 0.00001; 1000 Genomes Project 30x 0.00016.

Submission:

PreventionGenetics, part of Exact Sciences
Classification: Likely benign for ZIC2-related condition. Last evaluated: 2021-10-22. Review status: no assertion criteria provided. Collection method: clinical testing. Allele origin: germline.
Comment: This variant is classified as likely benign based on ACMG/AMP sequence variant interpretation guidelines (Richards et al. 2015 PMID: 25741868, with internal and published modifications).